The following is an entry in ClinVar:

NM_002519.3(NPAT):c.4169C>G (p.Thr1390Arg)

Gene: NPAT (nuclear protein, coactivator of histone transcription; minus strand). Cytogenetic location: 11q22.3.
Variant type: single nucleotide variant.
Coding change: c.4169C>G on transcript NM_002519.3 (MANE Select); coding-DNA position 4169, C replaced by G.
Protein change: p.Thr1390Arg; replaces threonine 1390 with arginine.
Molecular consequence: missense variant.
Genome position (GRCh38, 1-based): chr11:108,160,917, G>C on the plus strand (C>G on the coding strand, the complement: NPAT is on the minus strand). VCF-style: chr11-108160917-G-C. GRCh37 (hg19) VCF-style: chr11-108031644-G-C.
Other names: c.4190C>G, p.Thr1397Arg (NM_001321307.1); short protein forms T1397R, T1390R.
Identifiers: ClinVar variation 2453766 (VCV002453766.2), dbSNP rs2496692817, ClinGen allele CA382509220.

ClinVar aggregate classification (germline): Uncertain significance (1 of 4 stars; one submission).

Submission:

Ambry Genetics
Classification: Uncertain significance. Last evaluated: 2022-12-27. Review status: criteria provided, single submitter. Criteria: Ambry Variant Classification Scheme 2023. Collection method: clinical testing. Allele origin: germline.
Comment: The p.T1390R variant (also known as c.4169C>G), located in coding exon 17 of the NPAT gene, results from a C to G substitution at nucleotide position 4169. The threonine at codon 1390 is replaced by arginine, an amino acid with similar properties. This amino acid position is conserved. In addition, this alteration is predicted to be tolerated by in silico analysis. Since supporting evidence is limited at this time, the clinical significance of this alteration remains unclear.